The following is an entry in ClinVar:

ClinVar aggregate classification (germline): Uncertain significance. Review status: criteria provided, multiple submitters, no conflicts (2 of 4 stars). 4 submissions from 4 submitters: Uncertain significance (4). Last evaluated 2026-08-26.

Conditions:
ANKRD1-related dilated cardiomyopathy. Identifiers: MedGen CN119551.
ANKRD1-related disorder. Also called: ANKRD1-related condition.
Cardiovascular phenotype. Identifiers: MedGen CN230736.

Allele frequency attached by ClinVar (database versions not stated): gnomAD exomes 0.00002 and 0.00007; gnomAD 0.00005; TOPMed 0.00005; ExAC 0.00006; ESP Exome Variant Server 0.00023.
gnomAD v4.1: 40 of 1,613,852 alleles (0.0025%); highest among the groups gnomAD compares: Admixed American, 0.017%; no homozygotes.

Submissions (4):

PreventionGenetics, part of Exact Sciences
Classification: Uncertain significance for ANKRD1-related condition. Last evaluated: 2026-08-26. Review status: criteria provided, single submitter. Criteria: ACMG Guidelines, 2015. Collection method: clinical testing. Allele origin: germline.
Comment: The ANKRD1 c.187G>A variant is predicted to result in the amino acid substitution p.Glu63Lys. To our knowledge, this variant has not been reported in the literature. This variant is reported in 0.031% of alleles in individuals of Latino descent in gnomAD. At this time, the clinical significance of this variant is uncertain due to the absence of conclusive functional and genetic evidence.

Labcorp Genetics (formerly Invitae), Labcorp
Classification: Uncertain significance for ANKRD1-related dilated cardiomyopathy. Last evaluated: 2026-01-16. Review status: criteria provided, single submitter. Criteria: Invitae Variant Classification Sherloc (09022015). Collection method: clinical testing. Allele origin: germline.
Comment: This sequence change replaces glutamic acid, which is acidic and polar, with lysine, which is basic and polar, at codon 63 of the ANKRD1 protein (p.Glu63Lys). This variant is present in population databases (rs143588078, gnomAD 0.03%). This variant has not been reported in the literature in individuals affected with ANKRD1-related conditions. ClinVar contains an entry for this variant (Variation ID: 1062390). Invitae Evidence Modeling of protein sequence and biophysical properties (such as structural, functional, and spatial information, amino acid conservation, physicochemical variation, residue mobility, and thermodynamic stability) indicates that this missense variant is not expected to disrupt ANKRD1 protein function with a negative predictive value of 80%. In summary, the available evidence is currently insufficient to determine the role of this variant in disease. Therefore, it has been classified as a Variant of Uncertain Significance.

Ambry Genetics
Classification: Uncertain significance for Cardiovascular phenotype. Last evaluated: 2024-09-14. Review status: criteria provided, single submitter. Criteria: Ambry Variant Classification Scheme 2023. Collection method: clinical testing. Allele origin: germline.
Comment: The p.E63K variant (also known as c.187G>A), located in coding exon 2 of the ANKRD1 gene, results from a G to A substitution at nucleotide position 187. The glutamic acid at codon 63 is replaced by lysine, an amino acid with similar properties. This amino acid position is highly conserved in available vertebrate species. In addition, the in silico prediction for this alteration is inconclusive. Since supporting evidence is limited at this time, the clinical significance of this alteration remains unclear.

GeneDx
Classification: Uncertain significance. Last evaluated: 2024-05-07. Review status: criteria provided, single submitter. Criteria: GeneDx Variant Classification Process June 2021. Collection method: clinical testing. Allele origin: germline. Affected: yes.
Comment: Has not been previously published as pathogenic or benign to our knowledge; In silico analysis indicates that this missense variant does not alter protein structure/function

NM_014391.3(ANKRD1):c.187G>A (p.Glu63Lys)

Gene: ANKRD1 (ankyrin repeat domain 1; minus strand). Cytogenetic location: 10q23.31.
Variant type: single nucleotide variant.
Coding change: c.187G>A on transcript NM_014391.3 (MANE Select); coding-DNA position 187, G replaced by A.
Protein change: p.Glu63Lys; replaces glutamic acid 63 with lysine.
Molecular consequence: missense variant.
Genome position (GRCh38, 1-based): chr10:90,920,189, C>T on the plus strand (G>A on the coding strand, the complement: ANKRD1 is on the minus strand). VCF-style: chr10-90920189-C-T. GRCh37 (hg19) VCF-style: chr10-92679946-C-T.
Other names: short protein forms E63K.
Identifiers: ClinVar variation 1062390 (VCV001062390.11), dbSNP rs143588078, ClinGen allele CA5598825.
Genomic context (GRCh38, chr10:90,920,189, plus strand): 5'-CCCCAACATCCTACTAGTGGATTCCACAGATGGCTCTCACCTCTGCCTCTCGTTGTTTCT[C>T]GCTTTTCCACTGTTGCTCCCCCAGGGTCACAGGGTGGGCTAGAAGTGTCTTCAGATCCTC-3'
Protein context (NP_055206.2, residues 53-73): VTLGEQQWKS[Glu63Lys]KQREAELKKK